The following is an entry in ClinVar:

ClinVar aggregate classification (germline): Conflicting classifications of pathogenicity. Review status: criteria provided, conflicting classifications (1 of 4 stars). 8 submissions from 8 submitters: Uncertain significance (1); Likely benign (3). 4 of the submissions do not count toward it. Last evaluated 2026-01-28.

Conditions:
PCCB-related disorder. Also called: PCCB-related condition.
Propionic acidemia (PROP). Also called: GLYCINEMIA, KETOTIC; HYPERGLYCINEMIA WITH KETOACIDOSIS AND LEUKOPENIA; KETOTIC HYPERGLYCINEMIA. Identifiers: Orphanet 35, MedGen C0268579, MONDO:0011628, OMIM 606054, HP:0003571.

Allele frequency attached by ClinVar (database versions not stated): gnomAD exomes 0.00017 and 0.00035; ExAC 0.00044; 1000 Genomes Project 30x 0.00078; 1000 Genomes Project 0.00080; gnomAD 0.00107 and 0.00116; TOPMed 0.00130; ESP Exome Variant Server 0.00154.
gnomAD v4.1: 443 of 1,612,910 alleles (0.027%); highest among the groups gnomAD compares: African/African-American, 0.38%; 1 homozygote.

Submissions (8):

Labcorp Genetics (formerly Invitae), Labcorp
Classification: Likely benign for Propionic acidemia. Last evaluated: 2026-01-28. Review status: criteria provided, single submitter. Criteria: Invitae Variant Classification Sherloc (09022015). Collection method: clinical testing. Allele origin: germline.

Mayo Clinic Laboratories, Mayo Clinic
Classification: Likely benign. Last evaluated: 2025-05-01. Review status: criteria provided, single submitter. Criteria: ACMG Guidelines, 2015. Collection method: clinical testing. Allele origin: germline. Observed: 1 variant allele.
Comment: BS1, BS2_supporting

GeneDx
Classification: Likely benign. Last evaluated: 2019-09-03. Review status: criteria provided, single submitter. Criteria: GeneDx Variant Classification Process June 2021. Collection method: clinical testing. Allele origin: germline. Affected: yes.

Illumina Laboratory Services, Illumina
Classification: Uncertain significance for Propionic acidemia. Last evaluated: 2018-01-12. Review status: criteria provided, single submitter. Criteria: ICSL Variant Classification Criteria 13 December 2019. Collection method: clinical testing. Allele origin: germline.

PreventionGenetics, part of Exact Sciences
Classification: Likely benign for PCCB-related condition. Last evaluated: 2023-04-12. Review status: no assertion criteria provided. Collection method: clinical testing. Allele origin: germline. Not counted in ClinVar's aggregate classification.
Comment: This variant is classified as likely benign based on ACMG/AMP sequence variant interpretation guidelines (Richards et al. 2015 PMID: 25741868, with internal and published modifications).

Natera, Inc.
Classification: Uncertain significance for Propionic acidemia. Last evaluated: 2020-04-22. Review status: no assertion criteria provided. Collection method: clinical testing. Allele origin: germline. Not counted in ClinVar's aggregate classification.

Genome Diagnostics Laboratory, Amsterdam University Medical Center
Classification: Uncertain significance. Review status: no assertion criteria provided. Collection method: clinical testing. Allele origin: germline. Affected: yes. Study: VKGL Data-share Consensus. Not counted in ClinVar's aggregate classification.

Genome Diagnostics Laboratory, University Medical Center Utrecht
Classification: Uncertain significance. Review status: no assertion criteria provided. Collection method: clinical testing. Allele origin: germline. Affected: yes. Study: VKGL Data-share Consensus. Not counted in ClinVar's aggregate classification.

Literature cited by the submitters: PubMed 32746448 (cited by Mayo Clinic Laboratories, Mayo Clinic).

NM_000532.5(PCCB):c.338G>A (p.Arg113Gln)

Gene: PCCB (propionyl-CoA carboxylase subunit beta; plus strand). Cytogenetic location: 3q22.3.
Variant type: single nucleotide variant.
Coding change: c.338G>A on transcript NM_000532.5 (MANE Select); coding-DNA position 338, G replaced by A.
Protein change: p.Arg113Gln; replaces arginine 113 with glutamine.
Molecular consequence: missense variant.
Genome position (GRCh38, 1-based): chr3:136,256,589, G>A. VCF-style: chr3-136256589-G-A. GRCh37 (hg19) VCF-style: chr3-135975431-G-A.
Other names: p.Arg113Gln; c.338G>A, p.Arg113Gln (NM_001178014.2); short protein forms R113Q.
Identifiers: ClinVar variation 343462 (VCV000343462.23), dbSNP rs138246328, ClinGen allele CA2631691.
Genomic context (GRCh38, chr3:136,256,589, plus strand): 5'-CCTTTATTTTTGCATTTTTCTGGTAGTTTCCTGGAGACAGCGTGGTCACTGGACGAGGCC[G>A]AATCAATGGAAGATTGGTTTATGTCTTCAGTCAGGTATTTCATAACTCCAATAGTCTGAA-3'
Protein context (NP_000523.2, residues 103-123): PGDSVVTGRG[Arg113Gln]INGRLVYVFS